The following is an entry in ClinVar:

NM_000702.4(ATP1A2):c.2566A>T (p.Met856Leu)

Gene: ATP1A2 (ATPase Na+/K+ transporting subunit alpha 2; plus strand). Cytogenetic location: 1q23.2.
Variant type: single nucleotide variant.
Coding change: c.2566A>T on transcript NM_000702.4 (MANE Select); coding-DNA position 2566, A replaced by T.
Protein change: p.Met856Leu; replaces methionine 856 with leucine.
Molecular consequence: missense variant.
Genome position (GRCh38, 1-based): chr1:160,136,572, A>T. VCF-style: chr1-160136572-A-T. GRCh37 (hg19) VCF-style: chr1-160106362-A-T.
Other names: short protein forms M856L.
Identifiers: ClinVar variation 1720296 (VCV001720296.5), dbSNP rs2524890931, ClinGen allele CA343251788.
Genomic context (GRCh38, chr1:160,136,572, plus strand): 5'-TGTGCCCCTTCTGCTTCCTGCTCTGACCCTGCCCCTGCCTTTGGCCCTCTACCCACAGGG[A>T]TGATCCAGGCACTGGGTGGCTTCTTCACCTACTTTGTGATCCTGGCAGAGAACGGTTTCC-3'
Protein context (NP_000693.1, residues 846-866): LISMAYGQIG[Met856Leu]IQALGGFFTY

ClinVar aggregate classification (germline): Uncertain significance (1 of 4 stars; one submission).

Conditions:
Familial hemiplegic migraine. Identifiers: MedGen C0338484, MONDO:0000700.

Submission:

Labcorp Genetics (formerly Invitae), Labcorp
Classification: Uncertain significance for Familial hemiplegic migraine. Last evaluated: 2022-09-24. Review status: criteria provided, single submitter. Criteria: Invitae Variant Classification Sherloc (09022015). Collection method: clinical testing. Allele origin: germline.
Comment: Algorithms developed to predict the effect of missense changes on protein structure and function are either unavailable or do not agree on the potential impact of this missense change (SIFT: "Deleterious"; PolyPhen-2: "Benign"; Align-GVGD: "Class C0"). This sequence change replaces methionine, which is neutral and non-polar, with leucine, which is neutral and non-polar, at codon 856 of the ATP1A2 protein (p.Met856Leu). This variant is not present in population databases (gnomAD no frequency). This variant has not been reported in the literature in individuals affected with ATP1A2-related conditions. In summary, the available evidence is currently insufficient to determine the role of this variant in disease. Therefore, it has been classified as a Variant of Uncertain Significance.